The following is an entry in ClinVar:

NM_022726.4(ELOVL4):c.820A>G (p.Lys274Glu)

Gene: ELOVL4 (ELOVL fatty acid elongase 4; minus strand). Cytogenetic location: 6q14.1.
Variant type: single nucleotide variant.
Coding change: c.820A>G on transcript NM_022726.4 (MANE Select); coding-DNA position 820, A replaced by G.
Protein change: p.Lys274Glu; replaces lysine 274 with glutamic acid.
Molecular consequence: missense variant.
Genome position (GRCh38, 1-based): chr6:79,916,733, T>C on the plus strand (A>G on the coding strand, the complement: ELOVL4 is on the minus strand). VCF-style: chr6-79916733-T-C. GRCh37 (hg19) VCF-style: chr6-80626450-T-C.
Other names: short protein forms K274E.
Identifiers: ClinVar variation 3669320 (VCV003669320.2).

ClinVar aggregate classification (germline): Uncertain significance (1 of 4 stars; one submission).

gnomAD v4.1: 1 of 1,614,094 alleles (0.000062%); highest among the groups gnomAD compares: African/African-American, 0.0013%; no homozygotes.

Submission:

Labcorp Genetics (formerly Invitae), Labcorp
Classification: Uncertain significance. Last evaluated: 2024-10-11. Review status: criteria provided, single submitter. Criteria: Invitae Variant Classification Sherloc (09022015). Collection method: clinical testing. Allele origin: germline.
Comment: This sequence change replaces lysine, which is basic and polar, with glutamic acid, which is acidic and polar, at codon 274 of the ELOVL4 protein (p.Lys274Glu). This variant is present in population databases (no rsID available, gnomAD 0.01%). This variant has not been reported in the literature in individuals affected with ELOVL4-related conditions. Invitae Evidence Modeling of protein sequence and biophysical properties (such as structural, functional, and spatial information, amino acid conservation, physicochemical variation, residue mobility, and thermodynamic stability) indicates that this missense variant is not expected to disrupt ELOVL4 protein function with a negative predictive value of 80%. In summary, the available evidence is currently insufficient to determine the role of this variant in disease. Therefore, it has been classified as a Variant of Uncertain Significance.